The following is an entry in ClinVar:

ClinVar aggregate classification (germline): Likely pathogenic (1 of 4 stars; one submission).

Submission:

GeneDx
Classification: Likely pathogenic. Last evaluated: 2023-01-05. Review status: criteria provided, single submitter. Criteria: GeneDx Variant Classification Process June 2021. Collection method: clinical testing. Allele origin: germline. Affected: yes.
Comment: In-frame deletion of one amino acid in a non-repeat region; Not observed at significant frequency in large population cohorts (gnomAD); This variant is associated with the following publications: (PMID: 14635104)

NM_194323.3(OTOF):c.3560_3562del (p.Ile1187del)

Gene: OTOF (otoferlin; minus strand). Cytogenetic location: 2p23.3.
Variant type: Deletion.
Coding change: c.3560_3562del on transcript NM_194323.3 (MANE Plus Clinical); coding-DNA positions 3560 to 3562, 3 bases deleted (TCA; older notation c.3560_3562delTCA).
Protein change: p.Ile1187del; deletes isoleucine 1187.
Molecular consequence: inframe deletion. On other transcripts: 3 prime UTR variant (3).
Genome position (GRCh38, 1-based): chr2:26,458,171-26,458,173, TGA deleted on the plus strand (TCA on the coding strand, the reverse complement: OTOF is on the minus strand); deleting any 3 consecutive bases within chr2:26,458,171-26,458,175 gives the same sequence; the c. name uses the placement nearest the transcript's 3' end. VCF-style (leftmost placement, unchanged base first): chr2-26458170-TTGA-T. GRCh37 (hg19) VCF-style: chr2-26681038-TTGA-T.
Other names: c.5861_5863del, p.Ile1954del (NM_001287489.2); c.*65_*67del (NM_004802.4, NM_194248.3, NM_194322.3); short protein forms I1187del, I1954del.
Identifiers: ClinVar variation 2506680 (VCV002506680.1), dbSNP rs754441026, ClinGen allele CA1562629.
Genomic context (GRCh38, chr2:26,458,170, plus strand): 5'-CCCAACAGCGCCAGCACGATCTTGATGATGAGCCACTTGTACCGGGTGCAGATGAGGTAC[TTGA>T]TGGACTTGAGAGGGTTGAGGAACCAGACGAAGGCCGTGTCGGGCCGGCTGGGAAGTGGAA-3'